The following is an entry in ClinVar:

NM_000458.4(HNF1B):c.1325T>C (p.Met442Thr)

Gene: HNF1B (HNF1 homeobox B; minus strand). Cytogenetic location: 17q12.
Variant type: single nucleotide variant.
Coding change: c.1325T>C on transcript NM_000458.4 (MANE Select); coding-DNA position 1325, T replaced by C.
Protein change: p.Met442Thr; replaces methionine 442 with threonine.
Molecular consequence: missense variant.
Genome position (GRCh38, 1-based): chr17:37,704,931, A>G on the plus strand (T>C on the coding strand, the complement: HNF1B is on the minus strand). VCF-style: chr17-37704931-A-G. GRCh37 (hg19) VCF-style: chr17-36064938-A-G.
Other names: c.1247T>C, p.Met416Thr (NM_001165923.4, NM_001304286.2); short protein forms M442T, M416T.
Identifiers: ClinVar variation 36839 (VCV000036839.6), dbSNP rs193922482, ClinGen allele CA214346.

ClinVar aggregate classification (germline): Likely pathogenic/Likely risk allele. Review status: criteria provided, multiple submitters, no conflicts (2 of 4 stars). 3 submissions from 3 submitters: Likely pathogenic (2); Likely risk allele (1). Last evaluated 2019-07-06.

Conditions:
Maturity-onset diabetes of the young (MODY). Also called: Maturity onset diabetes mellitus in young. Identifiers: Orphanet 552, MedGen C0342276, MONDO:0018911, HP:0004904.
Renal cysts and diabetes syndrome (RCAD). Also called: MATURITY-ONSET DIABETES OF THE YOUNG, TYPE 5; Familial hypoplastic, glomerulocystic kidney. Identifiers: Orphanet 93111, MedGen C0431693, MONDO:0007669, OMIM 137920.

Allele frequency attached by ClinVar (database versions not stated): gnomAD exomes below 0.00001; TOPMed below 0.00001; gnomAD 0.00001.

Submissions (3):

Institute of Human Genetics, FAU Erlangen, Friedrich-Alexander-Universität Erlangen-Nürnberg
Classification: Likely pathogenic for Renal cysts and diabetes syndrome. Last evaluated: 2019-07-06. Review status: criteria provided, single submitter. Criteria: ACMG Guidelines, 2015. Collection method: literature only. Allele origin: germline. Affected: yes.
Comment: This variant and it's classification has been reported by Vasileiou et al. 2019; DOI:10.1101/576918. The variants has previously been reported in ClinVar:36839; PMID:29207974 as "NM_000458.3(HNF1B):c.1325T>C (p.Met442Thr)" with clinical significance Likely pathogenic. It has been re-classified using InterVar and manual curation as Likely pathogenic based on PM1 PM2 PP3 PP5.

Women's Health and Genetics/Laboratory Corporation of America, LabCorp
Classification: Likely pathogenic for MODY5. Last evaluated: 2011-08-18. Review status: criteria provided, single submitter. Criteria: LabCorp Variant Classification Summary - May 2015. Collection method: curation, clinical testing. Allele origin: germline. Inheritance: autosomal unknown. Affected: yes.
ClinVar note: Converted during submission from likely pathogenic to Likely pathogenic.

Clinical Genomics, Uppaluri K&H Personalized Medicine Clinic
Classification: Likely risk allele for Maturity-onset diabetes of the young. Review status: criteria provided, single submitter. Criteria: K & H Uppaluri Personalized Medicine Clinic Variant Classification & Assertion Criteria_Updated V.1. Collection method: research. Allele origin: unknown. Inheritance: Autosomal dominant inheritance.
Comment: HNF1B gene mutations are associated with early onset diabetes and pancreatic atrophy. It is also associated with multiple renal manifestations including renal cysts, Tubulointerstitial disease, glomerulocystic disease, renal hypoplasia, hypomagnesemia.However no sufficient evidence is found to ascertain the role of this particular variant rs193922482, yet.

Literature cited by the submitters: PubMed 29207974 (cited by Institute of Human Genetics, FAU Erlangen, Friedrich-Alexander-Universität Erlangen-Nürnberg); DOI 10.1101/576918 (cited by Institute of Human Genetics, FAU Erlangen, Friedrich-Alexander-Universität Erlangen-Nürnberg); PubMed 24897035 (cited by Clinical Genomics, Uppaluri K&H Personalized Medicine Clinic); PubMed 25536396 (cited by Clinical Genomics, Uppaluri K&H Personalized Medicine Clinic); PubMed 27615128 (cited by Clinical Genomics, Uppaluri K&H Personalized Medicine Clinic); PubMed 28215227 (cited by Clinical Genomics, Uppaluri K&H Personalized Medicine Clinic); PubMed 33434175 (cited by Clinical Genomics, Uppaluri K&H Personalized Medicine Clinic); PubMed 25741167 (cited by Clinical Genomics, Uppaluri K&H Personalized Medicine Clinic); PubMed 26340261 (cited by Clinical Genomics, Uppaluri K&H Personalized Medicine Clinic); PubMed 19639018 (cited by Clinical Genomics, Uppaluri K&H Personalized Medicine Clinic).